The following is an entry in ClinVar:

NM_001374736.1(DST):c.1768G>A (p.Glu590Lys)

Gene: DST (dystonin; minus strand). Cytogenetic location: 6p12.1.
Variant type: single nucleotide variant.
Coding change: c.1768G>A on transcript NM_001374736.1 (MANE Select); coding-DNA position 1768, G replaced by A.
Protein change: p.Glu590Lys; replaces glutamic acid 590 with lysine.
Molecular consequence: missense variant.
Genome position (GRCh38, 1-based): chr6:56,645,876, C>T on the plus strand (G>A on the coding strand, the complement: DST is on the minus strand). VCF-style: chr6-56645876-C-T. GRCh37 (hg19) VCF-style: chr6-56510674-C-T.
Other names: c.1669G>A, p.Glu557Lys (NM_001144769.5); c.1255G>A, p.Glu419Lys (NM_001144770.2); c.1768G>A, p.Glu590Lys (NM_001374722.1); c.1135G>A, p.Glu379Lys (NM_001374729.1, NM_001374730.1, NM_001386100.1 and 1 more transcripts); c.1795G>A, p.Glu599Lys (NM_001374734.1); short protein forms E379K, E419K, E557K, E599K, E590K.
Identifiers: ClinVar variation 1777636 (VCV001777636.2), dbSNP rs2537282166, ClinGen allele CA364615802.

ClinVar aggregate classification (germline): Uncertain significance (1 of 4 stars; one submission).

Conditions:
Inborn genetic diseases. Identifiers: MedGen C0950123, MeSH D030342.

Allele frequency attached by ClinVar (database versions not stated): gnomAD exomes below 0.00001.
gnomAD v4.1: 1 of 1,613,680 alleles (0.000062%); highest among the groups gnomAD compares: Middle Eastern, 0.017%; no homozygotes.

Submission:

Ambry Genetics
Classification: Uncertain significance for Inborn genetic diseases. Last evaluated: 2021-06-21. Review status: criteria provided, single submitter. Criteria: Ambry Variant Classification Scheme 2023. Collection method: clinical testing. Allele origin: germline.
Comment: The p.E557K variant (also known as c.1669G>A), located in coding exon 14 of the DST gene, results from a G to A substitution at nucleotide position 1669. The glutamic acid at codon 557 is replaced by lysine, an amino acid with similar properties. This amino acid position is highly conserved in available vertebrate species. In addition, this alteration is predicted to be deleterious by in silico analysis. Since supporting evidence is limited at this time, the clinical significance of this alteration remains unclear.